The following is an entry in ClinVar:

NM_001846.4(COL4A2):c.2749G>A (p.Gly917Arg)

Gene: COL4A2 (collagen type IV alpha 2 chain; plus strand). Cytogenetic location: 13q34.
Variant type: single nucleotide variant.
Coding change: c.2749G>A on transcript NM_001846.4 (MANE Select); coding-DNA position 2749, G replaced by A.
Protein change: p.Gly917Arg; replaces glycine 917 with arginine.
Molecular consequence: missense variant.
Genome position (GRCh38, 1-based): chr13:110,480,381, G>A. VCF-style: chr13-110480381-G-A. GRCh37 (hg19) VCF-style: chr13-111132728-G-A.
Other names: short protein forms G917R.
Identifiers: ClinVar variation 2105232 (VCV002105232.4), dbSNP rs1882858210, ClinGen allele CA388726870.
Genomic context (GRCh38, chr13:110,480,381, plus strand): 5'-GAGCAAGGCCATCCAGGAAGCCCTGGATTTAAAGGAATTGATGGAATGCCTGGGACCCCC[G>A]GGCTAAAAGGTAATTGTGTGACTGTGACCAGGGATCCCTTGGCGGGGAGGTTGGGTCTAA-3'
Protein context (NP_001837.2, residues 907-927): KGIDGMPGTP[Gly917Arg]LKGDRGSPGM

ClinVar aggregate classification (germline): Uncertain significance (1 of 4 stars; one submission).

Allele frequency attached by ClinVar (database versions not stated): gnomAD exomes below 0.00001.
gnomAD v4.1: 3 of 1,611,116 alleles (0.00019%); highest among the groups gnomAD compares: Non-Finnish European, 0.00025%; no homozygotes.

Submission:

Labcorp Genetics (formerly Invitae), Labcorp
Classification: Uncertain significance. Last evaluated: 2023-08-10. Review status: criteria provided, single submitter. Criteria: Invitae Variant Classification Sherloc (09022015). Collection method: clinical testing. Allele origin: germline.
Comment: This sequence change replaces glycine, which is neutral and non-polar, with arginine, which is basic and polar, at codon 917 of the COL4A2 protein (p.Gly917Arg). This variant is not present in population databases (gnomAD no frequency). This variant has not been reported in the literature in individuals affected with COL4A2-related conditions. ClinVar contains an entry for this variant (Variation ID: 2105232). In summary, the available evidence is currently insufficient to determine the role of this variant in disease. Therefore, it has been classified as a Variant of Uncertain Significance. Advanced modeling of protein sequence and biophysical properties (such as structural, functional, and spatial information, amino acid conservation, physicochemical variation, residue mobility, and thermodynamic stability) performed at Invitae indicates that this missense variant is expected to disrupt COL4A2 protein function.